The following is an entry in ClinVar:

ClinVar aggregate classification (germline): Pathogenic. Review status: reviewed by expert panel (3 of 4 stars). 3 submissions from 3 submitters: Pathogenic (1). 2 of the submissions do not count toward it. Last evaluated 2016-09-08.

Conditions:
Hereditary breast ovarian cancer syndrome. Also called: Hereditary breast and ovarian cancer syndrome; Hereditary breast and ovarian cancer; Hereditary breast and ovarian cancer syndrome (HBOC); Breast and ovarian cancer; Hereditary breast and/or ovarian cancer syndrome; BRCA1- and BRCA2-Associated Hereditary Breast and Ovarian Cancer. Identifiers: Orphanet 145, MedGen C0677776, MeSH D061325, MONDO:0003582. Disease mechanism: loss of function.
Breast-ovarian cancer, familial, susceptibility to, 2 (BROVCA2). Also called: BRCA2 Hereditary Breast and Ovarian Cancer. Identifiers: Orphanet 145, MedGen C2675520, MONDO:0012933, OMIM 612555. Disease mechanism: loss of function.

Submissions (3):

Evidence-based Network for the Interpretation of Germline Mutant Alleles (ENIGMA)
Classification: Pathogenic for Breast-ovarian cancer, familial, susceptibility to, 2. Last evaluated: 2016-09-08. Review status: reviewed by expert panel. Criteria: ENIGMA BRCA1/2 Classification Criteria (2015). Collection method: curation. Allele origin: germline.
Comment: Variant allele predicted to encode a truncated non-functional protein.

Labcorp Genetics (formerly Invitae), Labcorp
Classification: Pathogenic for Hereditary breast ovarian cancer syndrome. Last evaluated: 2024-04-22. Review status: criteria provided, single submitter. Criteria: Invitae Variant Classification Sherloc (09022015). Collection method: clinical testing. Allele origin: germline. Not counted in ClinVar's aggregate classification.
Comment: This sequence change creates a premature translational stop signal (p.Asp1909Ilefs*54) in the BRCA2 gene. It is expected to result in an absent or disrupted protein product. Loss-of-function variants in BRCA2 are known to be pathogenic (PMID: 20104584). This variant is not present in population databases (gnomAD no frequency). This premature translational stop signal has been observed in individual(s) with clinical features of BRCA2-related conditions (PMID: 10923033, 21520333). ClinVar contains an entry for this variant (Variation ID: 51916). For these reasons, this variant has been classified as Pathogenic.

Breast Cancer Information Core (BIC) (BRCA2)
Classification: Pathogenic for Breast-ovarian cancer, familial 2. Last evaluated: 2004-02-20. Review status: no assertion criteria provided. Collection method: clinical testing. Allele origin: germline. Affected: yes. Observed: 1 variant allele. Not counted in ClinVar's aggregate classification.

Literature cited by the submitters: PubMed 20104584 (cited by Labcorp Genetics (formerly Invitae), Labcorp); PubMed 10923033 (cited by Labcorp Genetics (formerly Invitae), Labcorp); PubMed 21520333 (cited by Labcorp Genetics (formerly Invitae), Labcorp).

NM_000059.4(BRCA2):c.5724del (p.Asp1909fs)

Gene: BRCA2 (BRCA2 DNA repair associated; plus strand). Cytogenetic location: 13q13.1.
Variant type: Deletion.
Coding change: c.5724del on transcript NM_000059.4 (MANE Select); coding-DNA position 5724, one base deleted (A; older notation c.5724delA).
Protein change: p.Asp1909fs; shifts the reading frame from aspartic acid 1909.
Molecular consequence: frameshift variant.
Genome position (GRCh38, 1-based): chr13:32,340,079, A deleted. VCF-style (leftmost placement, unchanged base first): chr13-32340078-TA-T. GRCh37 (hg19) VCF-style: chr13-32914215-TA-T.
Other names: 5952delA; c.5724delA (NM_000059.3); short protein forms D1909fs.
Identifiers: ClinVar variation 51916 (VCV000051916.11), dbSNP rs80359532, ClinGen allele CA023054.